The following is an entry in ClinVar:

ClinVar aggregate classification (germline): Uncertain significance (1 of 4 stars; one submission).

Submission:

Labcorp Genetics (formerly Invitae), Labcorp
Classification: Uncertain significance. Last evaluated: 2022-05-30. Review status: criteria provided, single submitter. Criteria: Invitae Variant Classification Sherloc (09022015). Collection method: clinical testing. Allele origin: germline.
Comment: This variant is not present in population databases (gnomAD no frequency). This sequence change replaces asparagine, which is neutral and polar, with lysine, which is basic and polar, at codon 2876 of the VPS13C protein (p.Asn2876Lys). This variant has not been reported in the literature in individuals affected with VPS13C-related conditions. Algorithms developed to predict the effect of missense changes on protein structure and function (SIFT, PolyPhen-2, Align-GVGD) all suggest that this variant is likely to be disruptive. In summary, the available evidence is currently insufficient to determine the role of this variant in disease. Therefore, it has been classified as a Variant of Uncertain Significance.

NM_020821.3(VPS13C):c.8628C>G (p.Asn2876Lys)

Gene: VPS13C (vacuolar protein sorting 13 homolog C; minus strand). Cytogenetic location: 15q22.2.
Variant type: single nucleotide variant.
Coding change: c.8628C>G on transcript NM_020821.3 (MANE Select); coding-DNA position 8628, C replaced by G.
Protein change: p.Asn2876Lys; replaces asparagine 2876 with lysine.
Molecular consequence: missense variant.
Genome position (GRCh38, 1-based): chr15:61,911,927, G>C on the plus strand (C>G on the coding strand, the complement: VPS13C is on the minus strand). VCF-style: chr15-61911927-G-C. GRCh37 (hg19) VCF-style: chr15-62204126-G-C.
Other names: c.8628C>G, p.Asn2876Lys (NM_001018088.3); c.8499C>G, p.Asn2833Lys (NM_017684.5, NM_018080.4); short protein forms N2876K, N2833K.
Identifiers: ClinVar variation 2099200 (VCV002099200.4), dbSNP rs2547865229, ClinGen allele CA392676466.